The following is an entry in ClinVar:

NM_005762.3(TRIM28):c.435C>A (p.Asp145Glu)

Gene: TRIM28 (tripartite motif containing 28; plus strand). Cytogenetic location: 19q13.43.
Variant type: single nucleotide variant.
Coding change: c.435C>A on transcript NM_005762.3 (MANE Select); coding-DNA position 435, C replaced by A.
Protein change: p.Asp145Glu; replaces aspartic acid 145 with glutamic acid.
Molecular consequence: missense variant.
Genome position (GRCh38, 1-based): chr19:58,545,519, C>A. VCF-style: chr19-58545519-C-A. GRCh37 (hg19) VCF-style: chr19-59056886-C-A.
Other names: short protein forms D145E.
Identifiers: ClinVar variation 3729092 (VCV003729092.2).

ClinVar aggregate classification (germline): Uncertain significance (1 of 4 stars; one submission).

Submission:

Labcorp Genetics (formerly Invitae), Labcorp
Classification: Uncertain significance. Last evaluated: 2025-01-17. Review status: criteria provided, single submitter. Criteria: Invitae Variant Classification Sherloc (09022015). Collection method: clinical testing. Allele origin: germline.
Comment: This sequence change replaces aspartic acid, which is acidic and polar, with glutamic acid, which is acidic and polar, at codon 145 of the TRIM28 protein (p.Asp145Glu). This variant is present in population databases (no rsID available, gnomAD 0.006%). This variant has not been reported in the literature in individuals affected with TRIM28-related conditions. Experimental studies and prediction algorithms are not available or were not evaluated, and the functional significance of this variant is currently unknown. In summary, the available evidence is currently insufficient to determine the role of this variant in disease. Therefore, it has been classified as a Variant of Uncertain Significance.